The following is an entry in ClinVar:

ClinVar aggregate classification (germline): Pathogenic/Likely pathogenic. Review status: criteria provided, multiple submitters, no conflicts (2 of 4 stars). 3 submissions from 3 submitters: Pathogenic (1); Likely pathogenic (1). 1 of the submissions does not count toward it. Last evaluated 2022-09-01.

Conditions:
3-methylglutaconic aciduria with deafness, encephalopathy, and Leigh-like syndrome (MEGDEL). Also called: MEGDEL syndrome; SERAC1 Deficiency; 3-METHYLGLUTACONIC ACIDURIA, TYPE VI. Identifiers: Orphanet 352328, MedGen C4040739, MONDO:0013875, OMIM 614739.

Submissions (3):

3billion
Classification: Pathogenic for 3-methylglutaconic aciduria with deafness, encephalopathy, and Leigh-like syndrome. Last evaluated: 2022-09-01. Review status: criteria provided, single submitter. Criteria: ACMG Guidelines, 2015. Collection method: clinical testing. Allele origin: germline. Affected: yes. Observed: 1 homozygote.
Comment: The variant is observed at an extremely low frequency in the gnomAD v2.1.1 dataset (total allele frequency: <0.001%). Frameshift variant is predicted to result in a loss or disruption of normal protein function through nonsense-mediated decay (NMD) or protein truncation. Multiple pathogenic variants are reported downstream of the variant. The variant has been reported to be associated with SERAC1-related disorder (ClinVar ID: VCV000035558 / PMID: 22683713). Therefore, this variant is classified as Pathogenic according to the recommendation of ACMG/AMP guideline.

Revvity Omics, Revvity
Classification: Likely pathogenic for 3-methylglutaconic aciduria with deafness, encephalopathy, and Leigh-like syndrome. Last evaluated: 2022-02-02. Review status: criteria provided, single submitter. Criteria: ACMG Guidelines, 2015. Collection method: clinical testing. Allele origin: germline.

OMIM
Classification: Pathogenic for 3-METHYLGLUTACONIC ACIDURIA WITH DEAFNESS, ENCEPHALOPATHY, AND LEIGH-LIKE SYNDROME. Last evaluated: 2012-06-10. Review status: no assertion criteria provided. Collection method: literature only. Allele origin: germline. Not counted in ClinVar's aggregate classification.

Literature cited by the submitters: PubMed 22683713 (cited by 3billion); Wortmann, S., Rodenburg, R. J. T., Huizing, M., Loupatty, F. J., de Koning, T., Kluijtmans, L. A. J., Engelke, U., Wevers, R., Smeitink, J. A. M., Morava, E. Association of 3-methylglutaconic aciduria with sensori-neural deafness, encephalopathy, and Leigh-like syndrome (MEGDEL association) in four patients with a disorder of the oxidative phosphorylation. Molec. Genet. Metab. 88: 47-52, 2006. (cited by OMIM); Wortmann, S. B., Vaz, F. M., Gardeitchik, T., Vissers, L. E. L. M., Renkema, G. H., Schuurs-Hoeijmakers, J. H. M., Kulik, W., Lammens, M., Christin, C., Kluijtmans, L. A. J., Rodenburg, R. J., Nijtmans, L. G. J., and 22 others Mutations in the phospholipid remodeling gene SERCA1 impair mitochondrial function and intracellular cholesterol trafficking and cause dystonia and deafness. Nature Genet. 44: 797-802, 2012. (cited by OMIM).

NM_032861.4(SERAC1):c.1167_1170del

Gene: SERAC1 (serine active site containing 1; minus strand). Cytogenetic location: 6q25.3.
Variant type: Deletion.
Coding change: c.1167_1170del on transcript NM_032861.4 (MANE Select); coding-DNA positions 1167 to 1170, 4 bases deleted (TCAG; older notation c.1167_1170delTCAG).
Molecular consequence: splice acceptor variant.
Genome position (GRCh38, 1-based): chr6:158,119,167-158,119,170, CTGA deleted on the plus strand (TCAG on the coding strand, the reverse complement: SERAC1 is on the minus strand); deleting any 4 consecutive bases within chr6:158,119,167-158,119,172 gives the same sequence; the c. name uses the placement nearest the transcript's 3' end. VCF-style (leftmost placement, unchanged base first): chr6-158119166-GCTGA-G. GRCh37 (hg19) VCF-style: chr6-158540198-GCTGA-G.
Identifiers: ClinVar variation 35558 (VCV000035558.9), dbSNP rs772296795, ClinGen allele CA4071169.
Genomic context (GRCh38, chr6:158,119,166, plus strand): 5'-GCCATGTTTTGAATGCTGCTCCCATAAGGCCATGAATAAAAAGGACATCTGCTTTAATGG[GCTGA>G]CTAATAGGGGAGAGAGTTTTAAAAAGAAGCAGAATAAATGCATTACTGCTTTGGTAAGAA-3'